The following is an entry in ClinVar:

ClinVar aggregate classification (germline): Pathogenic/Likely pathogenic. Review status: criteria provided, multiple submitters, no conflicts (2 of 4 stars). 2 submissions from 2 submitters: Pathogenic (1); Likely pathogenic (1). Last evaluated 2025-06-16.

Allele frequency attached by ClinVar (database versions not stated): ExAC 0.00001; TOPMed 0.00001; gnomAD 0.00003; gnomAD exomes below 0.00001.
gnomAD v4.1: 11 of 1,613,984 alleles (0.00068%); highest among the groups gnomAD compares: African/African-American, 0.0053%; no homozygotes.

Submissions (2):

Dasa
Classification: Likely pathogenic. Last evaluated: 2025-06-16. Review status: criteria provided, single submitter. Criteria: DASA Assertion Criteria. Collection method: clinical testing. Allele origin: germline.
Comment: NM_052865.4(MGME1):c.658C>T (p.Arg220*) is a nonsense variant in MGME1 predicted to introduce a premature termination codon and is predicted to result in an absent or altered protein product. Loss of function is an established disease mechanism for MGME1-associated disorders. Also, this variant is rare in population databases. Based on the currently available evidence, this variant is classified as likely pathogenic.

Labcorp Genetics (formerly Invitae), Labcorp
Classification: Pathogenic. Last evaluated: 2024-01-25. Review status: criteria provided, single submitter. Criteria: Invitae Variant Classification Sherloc (09022015). Collection method: clinical testing. Allele origin: germline.
Comment: This sequence change creates a premature translational stop signal (p.Arg220*) in the MGME1 gene. It is expected to result in an absent or disrupted protein product. Loss-of-function variants in MGME1 are known to be pathogenic (PMID: 23313956). This variant is present in population databases (rs372291078, gnomAD 0.004%). This variant has not been reported in the literature in individuals affected with MGME1-related conditions. ClinVar contains an entry for this variant (Variation ID: 1940364). For these reasons, this variant has been classified as Pathogenic.

Literature cited by the submitters: PubMed 23313956 (cited by Labcorp Genetics (formerly Invitae), Labcorp).

NM_052865.4(MGME1):c.658C>T (p.Arg220Ter)

Gene: MGME1 (mitochondrial genome maintenance exonuclease 1; plus strand). Cytogenetic location: 20p11.23.
Variant type: single nucleotide variant.
Coding change: c.658C>T on transcript NM_052865.4 (MANE Select); coding-DNA position 658, C replaced by T.
Protein change: p.Arg220Ter; replaces arginine 220 with a stop codon.
Molecular consequence: nonsense. On other transcripts: intron variant (1).
Genome position (GRCh38, 1-based): chr20:17,975,830, C>T. VCF-style: chr20-17975830-C-T. GRCh37 (hg19) VCF-style: chr20-17956473-C-T.
Other names: c.703C>T, p.Arg235Ter (NM_001310338.2); c.418C>T, p.Arg140Ter (NM_001363738.2); c.511+5460C>T (NM_001310339.2); short protein forms R140*, R220*, R235*.
Identifiers: ClinVar variation 1940364 (VCV001940364.7), dbSNP rs372291078, ClinGen allele CA9774991.